The following is an entry in ClinVar:

ClinVar aggregate classification (germline): Pathogenic. Review status: criteria provided, multiple submitters, no conflicts (2 of 4 stars). 2 submissions from 2 submitters: Pathogenic (2). Last evaluated 2022-08-09.

Conditions:
Duchenne muscular dystrophy (DMD). Also called: MUSCULAR DYSTROPHY, PSEUDOHYPERTROPHIC PROGRESSIVE, DUCHENNE TYPE; Duchenne Muscular Dystrophy (DMD). Identifiers: Orphanet 98896, MedGen C0013264, MONDO:0010679, OMIM 310200.

Submissions (2):

Labcorp Genetics (formerly Invitae), Labcorp
Classification: Pathogenic for Duchenne muscular dystrophy. Last evaluated: 2022-08-09. Review status: criteria provided, single submitter. Criteria: Invitae Variant Classification Sherloc (09022015). Collection method: clinical testing. Allele origin: germline.
Comment: ClinVar contains an entry for this variant (Variation ID: 1322318). This sequence change affects an acceptor splice site in intron 67 of the DMD gene. It is expected to disrupt RNA splicing. Variants that disrupt the donor or acceptor splice site typically lead to a loss of protein function (PMID: 16199547), and loss-of-function variants in DMD are known to be pathogenic (PMID: 16770791, 25007885). This variant is not present in population databases (gnomAD no frequency). Disruption of this splice site has been observed in individuals with DMD-related conditions (PMID: 17726484, 32194622). Algorithms developed to predict the effect of sequence changes on RNA splicing suggest that this variant may disrupt the consensus splice site. For these reasons, this variant has been classified as Pathogenic.

Revvity Omics, Revvity
Classification: Pathogenic. Last evaluated: 2021-03-22. Review status: criteria provided, single submitter. Criteria: ACMG Guidelines, 2015. Collection method: clinical testing. Allele origin: germline.

Literature cited by the submitters: PubMed 16199547 (cited by Labcorp Genetics (formerly Invitae), Labcorp); PubMed 16770791 (cited by Labcorp Genetics (formerly Invitae), Labcorp); PubMed 25007885 (cited by Labcorp Genetics (formerly Invitae), Labcorp); PubMed 17726484 (cited by Labcorp Genetics (formerly Invitae), Labcorp); PubMed 32194622 (cited by Labcorp Genetics (formerly Invitae), Labcorp).

NM_004006.3(DMD):c.9808-1G>A

Gene: DMD (dystrophin; minus strand). Cytogenetic location: Xp21.2.
Variant type: single nucleotide variant.
Coding change: c.9808-1G>A on transcript NM_004006.3 (MANE Select); the canonical splice acceptor site of the intron before coding-DNA position 9808, G replaced by A.
Molecular consequence: splice acceptor variant.
Genome position (GRCh38, 1-based): chrX:31,182,905, C>T on the plus strand (G>A on the coding strand, the complement: DMD is on the minus strand). VCF-style: chrX-31182905-C-T. GRCh37 (hg19) VCF-style: chrX-31201022-C-T.
Other names: c.9784-1G>A (NM_000109.4); c.5785-1G>A (NM_004011.4); c.5776-1G>A (NM_004012.4); c.2428-1G>A (NM_004023.3, NM_004020.4, NM_004022.3 and 2 more transcripts); c.1621-1G>A (NM_004014.3); c.604-1G>A (NM_004018.3, NM_004017.3, NM_004016.3 and 2 more transcripts); c.9796-1G>A (NM_004009.3); c.9439-1G>A (NM_004010.3).
Identifiers: ClinVar variation 1322318 (VCV001322318.8), dbSNP rs2148335739, ClinGen allele CA412653710.